The following is an entry in ClinVar:

NM_022552.5(DNMT3A):c.744G>T (p.Gln248His)

Gene: DNMT3A (DNA methyltransferase 3 alpha; minus strand). Cytogenetic location: 2p23.3.
Variant type: single nucleotide variant.
Coding change: c.744G>T on transcript NM_022552.5 (MANE Select); coding-DNA position 744, G replaced by T.
Protein change: p.Gln248His; replaces glutamine 248 with histidine.
Molecular consequence: missense variant. On other transcripts: non-coding transcript variant (1).
Genome position (GRCh38, 1-based): chr2:25,248,148, C>A on the plus strand (G>T on the coding strand, the complement: DNMT3A is on the minus strand). VCF-style: chr2-25248148-C-A. GRCh37 (hg19) VCF-style: chr2-25471017-C-A.
Other names: c.288G>T, p.Gln96His (NM_001320893.1); c.75G>T, p.Gln25His (NM_001375819.1); c.177G>T, p.Gln59His (NM_153759.3); c.744G>T, p.Gln248His (NM_175629.2); short protein forms Q96H, Q25H, Q59H, Q248H.
Identifiers: ClinVar variation 4617759 (VCV004617759.1).
Genomic context (GRCh38, chr2:25,248,148, plus strand): 5'-ATCGGACCCCACGGGCTCAGGCGTGGTAGCCACAGTGGGGGATGCGGGGTCAGTGGGCTG[C>A]TGCACAGCAGGAGGGCTGGCCTCCTCCACCTTCTGAGACTCCCCGGGCCCCTGGTTTTCT-3'
Protein context (NP_072046.2, residues 238-258): KVEEASPPAV[Gln248His]QPTDPASPTV

ClinVar aggregate classification (germline): Uncertain significance (1 of 4 stars; one submission).

Conditions:
Inborn genetic diseases. Identifiers: MedGen C0950123, MeSH D030342.

Submission:

Ambry Genetics
Classification: Uncertain significance for Inborn genetic diseases. Last evaluated: 2025-10-14. Review status: criteria provided, single submitter. Criteria: Ambry Variant Classification Scheme 2023. Collection method: clinical testing. Allele origin: germline.
Comment: The p.Q248H variant (also known as c.744G>T), located in coding exon 6 of the DNMT3A gene, results from a G to T substitution at nucleotide position 744. The glutamine at codon 248 is replaced by histidine, an amino acid with highly similar properties. This amino acid position is conserved. In addition, the in silico prediction for this alteration is inconclusive. Based on the available evidence, the clinical significance of this variant remains unclear.